The following is an entry in ClinVar:

ClinVar aggregate classification (germline): Uncertain significance (1 of 4 stars; one submission).

Submission:

Labcorp Genetics (formerly Invitae), Labcorp
Classification: Uncertain significance. Last evaluated: 2022-08-03. Review status: criteria provided, single submitter. Criteria: Invitae Variant Classification Sherloc (09022015). Collection method: clinical testing. Allele origin: germline.
Comment: This sequence change replaces valine, which is neutral and non-polar, with isoleucine, which is neutral and non-polar, at codon 440 of the FUK protein (p.Val440Ile). In summary, the available evidence is currently insufficient to determine the role of this variant in disease. Therefore, it has been classified as a Variant of Uncertain Significance. Algorithms developed to predict the effect of missense changes on protein structure and function output the following: SIFT: "Tolerated"; PolyPhen-2: "Benign"; Align-GVGD: "Class C0". The isoleucine amino acid residue is found in multiple mammalian species, which suggests that this missense change does not adversely affect protein function. This variant has not been reported in the literature in individuals affected with FUK-related conditions. This variant is not present in population databases (gnomAD no frequency).

NM_145059.3(FCSK):c.1318G>A (p.Val440Ile)

Gene: FCSK (fucose kinase; plus strand). Cytogenetic location: 16q22.1.
Variant type: single nucleotide variant.
Coding change: c.1318G>A on transcript NM_145059.3 (MANE Select); coding-DNA position 1318, G replaced by A.
Protein change: p.Val440Ile; replaces valine 440 with isoleucine.
Molecular consequence: missense variant.
Genome position (GRCh38, 1-based): chr16:70,471,329, G>A. VCF-style: chr16-70471329-G-A. GRCh37 (hg19) VCF-style: chr16-70505232-G-A.
Other names: short protein forms V440I.
Identifiers: ClinVar variation 1968808 (VCV001968808.5), dbSNP rs756236846, ClinGen allele CA396569014.